The following is an entry in ClinVar:

NM_001368894.2(PAX6):c.1225+1_1225+8delinsC

Gene: PAX6 (paired box 6; minus strand). Cytogenetic location: 11p13.
Variant type: Indel.
Coding change: c.1225+1_1225+8delinsC on transcript NM_001368894.2 (MANE Select); the canonical splice donor site of the intron after coding-DNA position 1225 through 8 bases into the intron after coding-DNA position 1225, GTGAGCCA replaced by C.
Molecular consequence: splice donor variant. On other transcripts: intron variant (9).
Genome position (GRCh38, 1-based): chr11:31,790,702-31,790,709, TGGCTCAC replaced by G on the plus strand (GTGAGCCA replaced by C on the coding strand, the reverse complement: PAX6 is on the minus strand). VCF-style: chr11-31790702-TGGCTCAC-G. GRCh37 (hg19) VCF-style: chr11-31812250-TGGCTCAC-G.
Other names: c.1183+1_1183+8delinsC (NM_001127612.3, NM_001368890.2, NM_001368888.2 and 6 more transcripts); c.874-690_874-683delinsC (NM_001368921.2); c.1024+1_1024+8delinsC (NM_001368923.2, NM_001368926.2, NM_001368927.2 and 3 more transcripts); c.1225+1_1225+8delinsC (NM_001258462.3, NM_001310158.2, NM_001258463.2 and 3 more transcripts); c.1300+1_1300+8delinsC (NM_001368919.2, NM_001368918.2); c.1033-690_1033-683delinsC (NM_001368915.2, NM_001368917.2, NM_001368916.2); c.1075-690_1075-683delinsC (NM_001368914.2, NM_001368912.2, NM_001368913.2); c.1426+1_1426+8delinsC (NM_001368910.2); and 6 more.
Identifiers: ClinVar variation 2576696 (VCV002576696.1), dbSNP rs2494716906, ClinGen allele CA2580615652.
Genomic context (GRCh38, chr11:31,790,702, plus strand): 5'-TTCTGTTTGGGTAAACTTCTAGTGAAGAGAGATCGCCTCTGTGCAGCCTGCAGAAAGCAG[TGGCTCAC>G]CTGTTGAAGTGGTGCCCGAGGTGCCCATTGGCTGACTGTTCATGTGTGTCTGCATATGTG-3'

ClinVar aggregate classification (germline): Pathogenic (1 of 4 stars; one submission).

Submission:

GeneDx
Classification: Pathogenic. Last evaluated: 2023-02-21. Review status: criteria provided, single submitter. Criteria: GeneDx Variant Classification Process June 2021. Collection method: clinical testing. Allele origin: germline. Affected: yes.
Comment: Canonical splice site variant predicted to result in a null allele in a gene for which loss of function is a known mechanism of disease; Not observed at significant frequency in large population cohorts (gnomAD); Has not been previously published as pathogenic or benign to our knowledge